The following is an entry in ClinVar:

NM_000287.4(PEX6):c.2867C>T (p.Ala956Val)

Gene: PEX6 (peroxisomal biogenesis factor 6; minus strand). Cytogenetic location: 6p21.1.
Variant type: single nucleotide variant.
Coding change: c.2867C>T on transcript NM_000287.4 (MANE Select); coding-DNA position 2867, C replaced by T.
Protein change: p.Ala956Val; replaces alanine 956 with valine.
Molecular consequence: missense variant. On other transcripts: non-coding transcript variant (1).
Genome position (GRCh38, 1-based): chr6:42,964,411, G>A on the plus strand (C>T on the coding strand, the complement: PEX6 is on the minus strand). VCF-style: chr6-42964411-G-A. GRCh37 (hg19) VCF-style: chr6-42932149-G-A.
Other names: c.2603C>T, p.Ala868Val (NM_001316313.2); short protein forms A956V, A868V.
Identifiers: ClinVar variation 502346 (VCV000502346.21), dbSNP rs200115671, ClinGen allele CA3810881.

ClinVar aggregate classification (germline): Benign/Likely benign. Review status: criteria provided, multiple submitters, no conflicts (2 of 4 stars). 5 submissions from 5 submitters: Benign (1); Likely benign (3). 1 of the submissions does not count toward it. Last evaluated 2026-01-31.

Conditions:
Peroxisome biogenesis disorder. Identifiers: Orphanet 79189, MedGen C1832200, MONDO:0019234. Disease mechanism: loss of function.
PEX6-related disorder. Also called: PEX6-related condition; PEX6-related disorders.

Allele frequency attached by ClinVar (database versions not stated): gnomAD exomes 0.00008 and 0.00038; gnomAD 0.00014 and 0.00021; TOPMed 0.00023; ExAC 0.00031; 1000 Genomes Project 30x 0.00172; 1000 Genomes Project 0.00220.
gnomAD v4.1: 174 of 1,613,832 alleles (0.011%); highest among the groups gnomAD compares: East Asian, 0.3%; 2 homozygotes.

Submissions (5):

Labcorp Genetics (formerly Invitae), Labcorp
Classification: Likely benign for Peroxisome biogenesis disorder. Last evaluated: 2026-01-31. Review status: criteria provided, single submitter. Criteria: Invitae Variant Classification Sherloc (09022015). Collection method: clinical testing. Allele origin: germline.

Blueprint Genetics
Classification: Benign. Last evaluated: 2024-09-18. Review status: criteria provided, single submitter. Criteria: ACMG Guidelines, 2015. Collection method: clinical testing. Allele origin: germline.

GeneDx
Classification: Likely benign. Last evaluated: 2020-11-30. Review status: criteria provided, single submitter. Criteria: GeneDx Variant Classification Process June 2021. Collection method: clinical testing. Allele origin: germline. Affected: yes.

Eurofins Ntd Llc (ga)
Classification: Likely benign. Last evaluated: 2017-06-06. Review status: criteria provided, single submitter. Criteria: EGL Classification Definitions 2015. Collection method: clinical testing. Allele origin: germline. Observed: 1 variant allele, 1 heterozygote.

PreventionGenetics, part of Exact Sciences
Classification: Likely benign for PEX6-related condition. Last evaluated: 2021-07-12. Review status: no assertion criteria provided. Collection method: clinical testing. Allele origin: germline. Not counted in ClinVar's aggregate classification.
Comment: This variant is classified as likely benign based on ACMG/AMP sequence variant interpretation guidelines (Richards et al. 2015 PMID: 25741868, with internal and published modifications).